The following is an entry in ClinVar:

ClinVar aggregate classification (germline): Pathogenic (1 of 4 stars; one submission).

Conditions:
Hydrocephalus, nonsyndromic, autosomal recessive 1 (HYC1). Also called: Hydrocephalus, nonsyndromic, autosomal recessive; Congenital hydrocephalus 1. Identifiers: Orphanet 2185, MedGen C3887608, MONDO:0009360, OMIM 236600.

Submission:

Myriad Genetics, Inc.
Classification: Pathogenic for Hydrocephalus, nonsyndromic, autosomal recessive 1. Last evaluated: 2025-08-27. Review status: criteria provided, single submitter. Criteria: Myriad Autosomal Dominant, Autosomal Recessive and X-Linked Classification Criteria (2023). Collection method: clinical testing. Allele origin: unknown.
Comment: NM_001080414.3(CCDC88C):c.4084C>T(Q1362*) is expected to be pathogenic in the context of congenital hydrocephalus, CCDC88C-related. This variant is predicted to lead to an abnormal or absent protein product due to the creation of a premature termination codon in CCDC88C, a gene where loss-of-function variants are known to be pathogenic. Please note: this variant was assessed in the context of healthy population screening.

NM_001080414.4(CCDC88C):c.4084C>T (p.Gln1362Ter)

Gene: CCDC88C (coiled-coil and HOOK domain protein 88C; minus strand). Cytogenetic location: 14q32.11.
Variant type: single nucleotide variant.
Coding change: c.4084C>T on transcript NM_001080414.4 (MANE Select); coding-DNA position 4084, C replaced by T.
Protein change: p.Gln1362Ter; replaces glutamine 1362 with a stop codon.
Molecular consequence: nonsense. On other transcripts: non-coding transcript variant (2).
Genome position (GRCh38, 1-based): chr14:91,294,201, G>A on the plus strand (C>T on the coding strand, the complement: CCDC88C is on the minus strand). VCF-style: chr14-91294201-G-A. GRCh37 (hg19) VCF-style: chr14-91760545-G-A.
Other names: short protein forms Q1362*.
Identifiers: ClinVar variation 5014923 (VCV005014923.1).